The following is an entry in ClinVar:

ClinVar aggregate classification (germline): Uncertain significance (1 of 4 stars; one submission).

Conditions:
Contractures, pterygia, and variable skeletal fusions syndrome 1B. Also called: CONTRACTURES, PTERYGIA, AND SPONDYLOCARPOTARSAL FUSION SYNDROME 1B. Identifiers: MedGen C5193114, MONDO:0020746, OMIM 618469.
Arthrogryposis, distal, type 2B3. Also called: Arthrogryposis, distal, type 2B3 (Sheldon-Hall). Identifiers: MedGen C5193098, MONDO:0032751, OMIM 618436.
Contractures, pterygia, and spondylocarpotarsal fusion syndrome 1A (CPSFS1A). Also called: MULTIPLE PTERYGIUM SYNDROME, AUTOSOMAL DOMINANT; Distal arthrogryposis type 8; Contractures, pterygia, and variable skeletal fusions syndrome 1A. Identifiers: Orphanet 65743, MedGen C1867440, MONDO:0008338, OMIM 178110.
Freeman-Sheldon syndrome (DA2A). Also called: CRANIOCARPOTARSAL DYSPLASIA; CRANIOCARPOTARSAL DYSTROPHY; WHISTLING FACE-WINDMILL VANE HAND SYNDROME; Arthrogryposis, distal, type 2A (Freeman-Sheldon). Identifiers: Orphanet 2053, MedGen C0265224, MONDO:0008675, OMIM 193700.

Submission:

Juno Genomics, Hangzhou Juno Genomics, Inc
Classification: Uncertain significance for Freeman-Sheldon syndrome; Arthrogryposis, distal, type 2B3; Contractures, pterygia, and spondylocarpotarsal fusion syndrome 1A; Contractures, pterygia, and variable skeletal fusions syndrome 1B. Review status: criteria provided, single submitter. Criteria: ACMG Guidelines, 2015. Collection method: clinical testing. Allele origin: germline.
Comment: Absent from controls (or at extremely low frequency if recessive) in Genome Aggregation Database.;Missense variant in a gene that has a low rate of benign missense variation.;Multiple lines of computational evidence support a deleterious effect on the gene or gene product.

NM_002470.4(MYH3):c.2912C>T (p.Ala971Val)

Gene: MYH3 (myosin heavy chain 3; minus strand). Cytogenetic location: 17p13.1.
Variant type: single nucleotide variant.
Coding change: c.2912C>T on transcript NM_002470.4 (MANE Select); coding-DNA position 2912, C replaced by T.
Protein change: p.Ala971Val; replaces alanine 971 with valine.
Molecular consequence: missense variant.
Genome position (GRCh38, 1-based): chr17:10,639,573, G>A on the plus strand (C>T on the coding strand, the complement: MYH3 is on the minus strand). VCF-style: chr17-10639573-G-A. GRCh37 (hg19) VCF-style: chr17-10542890-G-A.
Other names: short protein forms A971V.
Identifiers: ClinVar variation 5005681 (VCV005005681.2).